The following is an entry in ClinVar:

ClinVar aggregate classification (germline): Pathogenic (1 of 4 stars; one submission).

Conditions:
Familial hypobetalipoproteinemia 1. Also called: APOB-Related Familial Hypobetalipoproteinemia; Hypobetalipoproteinemia, normotriglyceridemic; Acanthocytosis with hypobetalipoproteinemia. Identifiers: MedGen C4551990, MONDO:0014252, OMIM 615558.
Hypercholesterolemia, autosomal dominant, type B (FHCL2). Also called: APOB-Related Familial Hypercholesterolemia, Autosomal Dominant; Familial hypercholesterolemia 2; Familial Hypercholesterolemia Type B; APOLIPOPROTEIN B-100, FAMILIAL DEFECTIVE; APOLIPOPROTEIN B-100, FAMILIAL LIGAND-DEFECTIVE; HYPERCHOLESTEROLEMIA, FAMILIAL, DUE TO LIGAND-DEFECTIVE APOLIPOPROTEIN B. Identifiers: MedGen C1704417, MONDO:0007751, OMIM 144010.

Submission:

Labcorp Genetics (formerly Invitae), Labcorp
Classification: Pathogenic for Familial hypobetalipoproteinemia 1; Hypercholesterolemia, autosomal dominant, type B. Last evaluated: 2025-09-16. Review status: criteria provided, single submitter. Criteria: Invitae Variant Classification Sherloc (09022015). Collection method: clinical testing. Allele origin: germline.
Comment: This sequence change creates a premature translational stop signal (p.Ser1768*) in the APOB gene. It is expected to result in an absent or disrupted protein product. Loss-of-function variants in APOB are known to be pathogenic (PMID: 20032471). This variant is not present in population databases (gnomAD no frequency). This variant has not been reported in the literature in individuals affected with APOB-related conditions. For these reasons, this variant has been classified as Pathogenic.

Literature cited by the submitters: PubMed 20032471.

NM_000384.3(APOB):c.5303C>A (p.Ser1768Ter)

Gene: APOB (apolipoprotein B; minus strand). Cytogenetic location: 2p24.1.
Variant type: single nucleotide variant.
Coding change: c.5303C>A on transcript NM_000384.3 (MANE Select); coding-DNA position 5303, C replaced by A.
Protein change: p.Ser1768Ter; replaces serine 1768 with a stop codon.
Molecular consequence: nonsense.
Genome position (GRCh38, 1-based): chr2:21,011,565, G>T on the plus strand (C>A on the coding strand, the complement: APOB is on the minus strand). VCF-style: chr2-21011565-G-T. GRCh37 (hg19) VCF-style: chr2-21234437-G-T.
Other names: short protein forms S1768*.
Identifiers: ClinVar variation 4786150 (VCV004786150.1).
Genomic context (GRCh38, chr2:21,011,565, plus strand): 5'-AGCTGTAAATTAACAGTTTGCTTATAAAACTTGTCAGAGCTGTAAATGTTGTCAAGTTTT[G>T]AAGAGAAGTCCAGTGATAAGCCTGCAATGTTCAGACTGTTTGTGTGGTCAAATTTCATTT-3'